The following is an entry in ClinVar:

ClinVar aggregate classification (germline): Pathogenic/Likely pathogenic. Review status: criteria provided, multiple submitters, no conflicts (2 of 4 stars). 3 submissions from 3 submitters: Pathogenic (1); Likely pathogenic (1). 1 of the submissions does not count toward it. Last evaluated 2024-03-01.

Conditions:
Odonto-onycho-dermal dysplasia. Identifiers: Orphanet 2721, MedGen C0796093, MONDO:0009773, OMIM 257980.
Schöpf-Schulz-Passarge syndrome. Also called: ECCRINE TUMORS WITH ECTODERMAL DYSPLASIA; KERATOSIS PALMOPLANTARIS WITH CYSTIC EYELIDS, HYPODONTIA, AND HYPOTRICHOSIS; SchC6pf-Schulz-Passarge syndrome. Identifiers: Orphanet 50944, MedGen C1857069, MONDO:0009145, OMIM 224750.
Tooth agenesis, selective, 4 (STHAG4). Also called: SUCCEDANEOUS TEETH, AGENESIS OF; TOOTH AGENESIS, SELECTIVE, 4, WITH OR WITHOUT ECTODERMAL DYSPLASIA; LATERAL INCISORS, ABSENCE OF; LATERAL INCISORS, PEGGED OR MISSING. Identifiers: Orphanet 99798, MedGen C1835492, MONDO:0007881, OMIM 150400. Disease mechanism: loss of function.

Allele frequency attached by ClinVar (database versions not stated): gnomAD 0.00001; gnomAD exomes 0.00001; TOPMed 0.00001; ExAC 0.00003.
gnomAD v4.1: 8 of 1,596,396 alleles (0.0005%); highest among the groups gnomAD compares: East Asian, 0.018%; no homozygotes.

Submissions (3):

Labcorp Genetics (formerly Invitae), Labcorp
Classification: Pathogenic for Tooth agenesis, selective, 4; Odonto-onycho-dermal dysplasia. Last evaluated: 2024-03-01. Review status: criteria provided, single submitter. Criteria: Invitae Variant Classification Sherloc (09022015). Collection method: clinical testing. Allele origin: germline.
Comment: This sequence change replaces threonine, which is neutral and polar, with isoleucine, which is neutral and non-polar, at codon 357 of the WNT10A protein (p.Thr357Ile). This variant is present in population databases (rs750190755, gnomAD 0.04%). This missense change has been observed in individual(s) with WNT10A-related conditions (PMID: 23401279, 24458874, 30046887, 36071541; Invitae). ClinVar contains an entry for this variant (Variation ID: 2576983). Advanced modeling of protein sequence and biophysical properties (such as structural, functional, and spatial information, amino acid conservation, physicochemical variation, residue mobility, and thermodynamic stability) has been performed at Invitae for this missense variant, however the output from this modeling did not meet the statistical confidence thresholds required to predict the impact of this variant on WNT10A protein function. Experimental studies have shown that this missense change affects WNT10A function (PMID: 33034246). For these reasons, this variant has been classified as Pathogenic.

Juno Genomics, Hangzhou Juno Genomics, Inc
Classification: Likely pathogenic for Odonto-onycho-dermal dysplasia; Schöpf-Schulz-Passarge syndrome; Tooth agenesis, selective, 4. Review status: criteria provided, single submitter. Criteria: ACMG Guidelines, 2015. Collection method: clinical testing. Allele origin: germline.
Comment: Absent from controls (or at extremely low frequency if recessive) in Genome Aggregation Database.;The prevalence of the variant in affected individuals is significantly increased compared to the prevalence in controls.;Patient's phenotype or family history is highly specific for a disease with a single genetic etiology.;Well-established in vitro or in vivo functional studies supportive of a damaging effect on the gene or gene product.

Department of Second Dental Center, Ninth People’s Hospital, Shanghai Jiao Tong University School of Medicine
Classification: Likely pathogenic for Tooth agenesis, selective, 4. Review status: no assertion criteria provided. Collection method: clinical testing. Allele origin: inherited. Inheritance: Autosomal dominant inheritance. Affected: yes. Not counted in ClinVar's aggregate classification.

Literature cited by the submitters: PubMed 23401279 (cited by Labcorp Genetics (formerly Invitae), Labcorp); PubMed 24458874 (cited by Labcorp Genetics (formerly Invitae), Labcorp); PubMed 30046887 (cited by Labcorp Genetics (formerly Invitae), Labcorp); PubMed 36071541 (cited by Labcorp Genetics (formerly Invitae), Labcorp and Department of Second Dental Center, Ninth People’s Hospital, Shanghai Jiao Tong University School of Medicine); PubMed 33034246 (cited by Labcorp Genetics (formerly Invitae), Labcorp).

NM_025216.3(WNT10A):c.1070C>T (p.Thr357Ile)

Gene: WNT10A (Wnt family member 10A; plus strand). Cytogenetic location: 2q35.
Variant type: single nucleotide variant.
Coding change: c.1070C>T on transcript NM_025216.3 (MANE Select); coding-DNA position 1070, C replaced by T.
Protein change: p.Thr357Ile; replaces threonine 357 with isoleucine.
Molecular consequence: missense variant.
Genome position (GRCh38, 1-based): chr2:218,893,087, C>T. VCF-style: chr2-218893087-C-T. GRCh37 (hg19) VCF-style: chr2-219757809-C-T.
Other names: short protein forms T357I.
Identifiers: ClinVar variation 2576983 (VCV002576983.6), dbSNP rs750190755, ClinGen allele CA2114105.
Genomic context (GRCh38, chr2:218,893,087, plus strand): 5'-TCTACTTCGAAAAGTCTCCCGACTTCTGCGAGCGCGAGCCGCGCCTGGACTCGGCGGGCA[C>T]CGTGGGCCGCCTGTGCAACAAGAGCAGCGCCGGCTCGGATGGCTGCGGCAGCATGTGCTG-3'
Protein context (NP_079492.2, residues 347-367): EREPRLDSAG[Thr357Ile]VGRLCNKSSA